The following is an entry in ClinVar:

NM_020297.4(ABCC9):c.977A>G (p.Asn326Ser)

Gene: ABCC9 (ATP binding cassette subfamily C member 9; minus strand). Cytogenetic location: 12p12.1.
Variant type: single nucleotide variant.
Coding change: c.977A>G on transcript NM_020297.4 (MANE Select); coding-DNA position 977, A replaced by G.
Protein change: p.Asn326Ser; replaces asparagine 326 with serine.
Molecular consequence: missense variant.
Genome position (GRCh38, 1-based): chr12:21,912,906, T>C on the plus strand (A>G on the coding strand, the complement: ABCC9 is on the minus strand). VCF-style: chr12-21912906-T-C. GRCh37 (hg19) VCF-style: chr12-22065840-T-C.
Other names: c.977A>G, p.Asn326Ser (NM_001377273.1, NM_005691.4); c.113A>G, p.Asn38Ser (NM_001377274.1); short protein forms N38S, N326S.
Identifiers: ClinVar variation 2089491 (VCV002089491.5), dbSNP rs1187106310, ClinGen allele CA384120919.
Genomic context (GRCh38, chr12:21,912,906, plus strand): 5'-TCCATTGAAAATCACCAGGAACTTACTCCAGTTGTGTTATTTGTCCCATTCTGGGTTTCA[T>C]TCACACGCTGAACTATTCCAGAAATACAAAGAGGTCCAGCAAAACCCAGTAAATCAGCCA-3'
Protein context (NP_064693.2, residues 316-336): LCISGIVQRV[Asn326Ser]ETQNGTNNTT

ClinVar aggregate classification (germline): Uncertain significance. Review status: criteria provided, multiple submitters, no conflicts (2 of 4 stars). 2 submissions from 2 submitters: Uncertain significance (2). Last evaluated 2026-06-09.

Conditions:
Cardiovascular phenotype. Identifiers: MedGen CN230736.
Dilated cardiomyopathy 1O (CMD1O). Also called: CARDIOMYOPATHY, DILATED, WITH VENTRICULAR TACHYCARDIA. Identifiers: Orphanet 154, MedGen C1837839, MONDO:0012062, OMIM 608569.

Allele frequency attached by ClinVar (database versions not stated): gnomAD exomes 0.00001.
gnomAD v4.1: 7 of 1,613,654 alleles (0.00043%); highest among the groups gnomAD compares: African/African-American, 0.0013%; no homozygotes.

Submissions (2):

Ambry Genetics
Classification: Uncertain significance for Cardiovascular phenotype. Last evaluated: 2026-06-09. Review status: criteria provided, single submitter. Criteria: Ambry Variant Classification Scheme 2023. Collection method: clinical testing. Allele origin: germline.
Comment: The p.N326S variant (also known as c.977A>G), located in coding exon 6 of the ABCC9 gene, results from an A to G substitution at nucleotide position 977. The asparagine at codon 326 is replaced by serine, an amino acid with highly similar properties. This amino acid position is conserved. In addition, this alteration is predicted to be tolerated by in silico analysis. Based on the available evidence, the clinical significance of this variant remains unclear.

Labcorp Genetics (formerly Invitae), Labcorp
Classification: Uncertain significance for Dilated cardiomyopathy 1O. Last evaluated: 2022-07-30. Review status: criteria provided, single submitter. Criteria: Invitae Variant Classification Sherloc (09022015). Collection method: clinical testing. Allele origin: germline.
Comment: In summary, the available evidence is currently insufficient to determine the role of this variant in disease. Therefore, it has been classified as a Variant of Uncertain Significance. Algorithms developed to predict the effect of missense changes on protein structure and function (SIFT, PolyPhen-2, Align-GVGD) all suggest that this variant is likely to be tolerated. This variant has not been reported in the literature in individuals affected with ABCC9-related conditions. This variant is present in population databases (no rsID available, gnomAD 0.0009%). This sequence change replaces asparagine, which is neutral and polar, with serine, which is neutral and polar, at codon 326 of the ABCC9 protein (p.Asn326Ser).